The following is an entry in ClinVar:

NM_001368397.1(FRMPD4):c.2549T>A (p.Ile850Asn)

Gene: FRMPD4 (FERM and PDZ domain containing 4; plus strand). Cytogenetic location: Xp22.2.
Variant type: single nucleotide variant.
Coding change: c.2549T>A on transcript NM_001368397.1 (MANE Select); coding-DNA position 2549, T replaced by A.
Protein change: p.Ile850Asn; replaces isoleucine 850 with asparagine.
Molecular consequence: missense variant.
Genome position (GRCh38, 1-based): chrX:12,717,008, T>A. VCF-style: chrX-12717008-T-A. GRCh37 (hg19) VCF-style: chrX-12735127-T-A.
Other names: c.2660T>A, p.Ile887Asn (NM_001368395.3, NM_001368398.3); c.2555T>A, p.Ile852Asn (NM_001368396.3); c.2540T>A, p.Ile847Asn (NM_001368399.3); c.2429T>A, p.Ile810Asn (NM_001368400.3); c.2525T>A, p.Ile842Asn (NM_001368401.1, NM_001368402.3); c.2549T>A, p.Ile850Asn (NM_014728.3); short protein forms I810N, I842N, I847N, I850N, I852N, I887N.
Identifiers: ClinVar variation 2572775 (VCV002572775.2), dbSNP rs148480903, ClinGen allele CA10349465.

ClinVar aggregate classification (germline): Uncertain significance (1 of 4 stars; one submission).

Allele frequency attached by ClinVar (database versions not stated): ESP Exome Variant Server 0.00019.
gnomAD v4.1: 6 of 1,208,880 alleles (0.0005%); highest among the groups gnomAD compares: African/African-American, 0.0087%; no homozygotes.

Submission:

GeneDx
Classification: Uncertain significance. Last evaluated: 2023-12-03. Review status: criteria provided, single submitter. Criteria: GeneDx Variant Classification Process June 2021. Collection method: clinical testing. Allele origin: germline. Affected: yes.
Comment: In silico analysis supports that this missense variant has a deleterious effect on protein structure/function; Has not been previously published as pathogenic or benign to our knowledge